The following is an entry in ClinVar:

ClinVar aggregate classification (germline): Uncertain significance (1 of 4 stars; one submission).

Submission:

GeneDx
Classification: Uncertain significance. Last evaluated: 2025-10-14. Review status: criteria provided, single submitter. Criteria: GeneDx Variant Classification Process June 2021. Collection method: clinical testing. Allele origin: germline. Affected: yes.
Comment: Not observed at significant frequency in large population cohorts (gnomAD); In silico analysis supports that this missense variant has a deleterious effect on protein structure/function; Has not been previously published as pathogenic or benign to our knowledge

NM_004187.5(KDM5C):c.4144C>T (p.Pro1382Ser)

Gene: KDM5C (lysine demethylase 5C; minus strand). Cytogenetic location: Xp11.22.
Variant type: single nucleotide variant.
Coding change: c.4144C>T on transcript NM_004187.5 (MANE Select); coding-DNA position 4144, C replaced by T.
Protein change: p.Pro1382Ser; replaces proline 1382 with serine.
Molecular consequence: missense variant. On other transcripts: non-coding transcript variant (3).
Genome position (GRCh38, 1-based): chrX:53,193,610, G>A on the plus strand (C>T on the coding strand, the complement: KDM5C is on the minus strand). VCF-style: chrX-53193610-G-A. GRCh37 (hg19) VCF-style: chrX-53222792-G-A.
Other names: c.4132C>T, p.Pro1378Ser (NM_001353982.2); c.4135C>T, p.Pro1379Ser (NM_001353984.2, NM_001353978.3, NM_001353981.2); c.3934C>T, p.Pro1312Ser (NM_001146702.2); c.4141C>T, p.Pro1381Ser (NM_001282622.3, NM_001353979.2); short protein forms P1312S, P1378S, P1379S, P1381S, P1382S.
Identifiers: ClinVar variation 2572874 (VCV002572874.2), dbSNP rs2519366838, ClinGen allele CA413105374.